The following is an entry in ClinVar:

ClinVar aggregate classification (germline): Uncertain significance. Review status: criteria provided, multiple submitters, no conflicts (2 of 4 stars). 2 submissions from 2 submitters: Uncertain significance (2). Last evaluated 2025-11-21.

Conditions:
Inborn genetic diseases. Identifiers: MedGen C0950123, MeSH D030342.

gnomAD v4.1: 3 of 1,614,214 alleles (0.00019%); highest among the groups gnomAD compares: Admixed American, 0.0017%; no homozygotes.

Submissions (2):

Ambry Genetics
Classification: Uncertain significance for Inborn genetic diseases. Last evaluated: 2025-11-21. Review status: criteria provided, single submitter. Criteria: Ambry Variant Classification Scheme 2023. Collection method: clinical testing. Allele origin: germline.

Labcorp Genetics (formerly Invitae), Labcorp
Classification: Uncertain significance. Last evaluated: 2023-07-17. Review status: criteria provided, single submitter. Criteria: Invitae Variant Classification Sherloc (09022015). Collection method: clinical testing. Allele origin: germline.
Comment: In summary, the available evidence is currently insufficient to determine the role of this variant in disease. Therefore, it has been classified as a Variant of Uncertain Significance. Advanced modeling of protein sequence and biophysical properties (such as structural, functional, and spatial information, amino acid conservation, physicochemical variation, residue mobility, and thermodynamic stability) has been performed at Invitae for this missense variant, however the output from this modeling did not meet the statistical confidence thresholds required to predict the impact of this variant on SRCAP protein function. This variant has not been reported in the literature in individuals affected with SRCAP-related conditions. This variant is not present in population databases (gnomAD no frequency). This sequence change replaces proline, which is neutral and non-polar, with leucine, which is neutral and non-polar, at codon 3130 of the SRCAP protein (p.Pro3130Leu).

NM_006662.3(SRCAP):c.9389C>T (p.Pro3130Leu)

Gene: SRCAP (Snf2 related CREBBP activator protein; plus strand). Cytogenetic location: 16p11.2.
Variant type: single nucleotide variant.
Coding change: c.9389C>T on transcript NM_006662.3 (MANE Select); coding-DNA position 9389, C replaced by T.
Protein change: p.Pro3130Leu; replaces proline 3130 with leucine.
Molecular consequence: missense variant.
Genome position (GRCh38, 1-based): chr16:30,739,429, C>T. VCF-style: chr16-30739429-C-T. GRCh37 (hg19) VCF-style: chr16-30750750-C-T.
Other names: c.9389C>T (NM_006662.2); short protein forms P3130L.
Identifiers: ClinVar variation 2896882 (VCV002896882.4), dbSNP rs754639611, ClinGen allele CA395644384.
Genomic context (GRCh38, chr16:30,739,429, plus strand): 5'-TGGTCTCACTAACCCCAAAACTGCGCTCGACCCGGCTGCGTCCAGGGTCTCTAGTCCCCC[C>T]ACTAGAGACTGAGAAGTTGCCTCGCAAACGAGCAGGGGCCCCAGTTGGTGGGAGTCCTGG-3'
Protein context (NP_006653.2, residues 3120-3140): TRLRPGSLVP[Pro3130Leu]LETEKLPRKR